The following is an entry in ClinVar:

NM_015340.4(LARS2):c.582G>T (p.Glu194Asp)

Gene: LARS2 (leucyl-tRNA synthetase 2, mitochondrial; plus strand). Cytogenetic location: 3p21.31.
Variant type: single nucleotide variant.
Coding change: c.582G>T on transcript NM_015340.4 (MANE Select); coding-DNA position 582, G replaced by T.
Protein change: p.Glu194Asp; replaces glutamic acid 194 with aspartic acid.
Molecular consequence: missense variant.
Genome position (GRCh38, 1-based): chr3:45,446,956, G>T. VCF-style: chr3-45446956-G-T. GRCh37 (hg19) VCF-style: chr3-45488448-G-T.
Other names: c.582G>T (NM_015340.3); c.582G>T, p.Glu194Asp (NM_001368263.1); short protein forms E194D.
Identifiers: ClinVar variation 2120642 (VCV002120642.3), dbSNP rs537797830, ClinGen allele CA2349356.
Genomic context (GRCh38, chr3:45,446,956, plus strand): 5'-AACTACGTGTTTGCCAGATTACTACAAGTGGACTCAGTATCTCTTTATTAAACTGTATGA[G>T]GCTGGGCTGGCCTATCAAAAGGAGGTAAGTTAAAATTAGCTGGACTTTTAAAATTCAGTG-3'
Protein context (NP_056155.1, residues 184-204): WTQYLFIKLY[Glu194Asp]AGLAYQKEAL

ClinVar aggregate classification (germline): Uncertain significance. Review status: criteria provided, multiple submitters, no conflicts (2 of 4 stars). 2 submissions from 2 submitters: Uncertain significance (2). Last evaluated 2025-08-07.

Conditions:
Inborn genetic diseases. Identifiers: MedGen C0950123, MeSH D030342.

Allele frequency attached by ClinVar (database versions not stated): gnomAD exomes below 0.00001; TOPMed 0.00001; ExAC 0.00002.
gnomAD v4.1: 6 of 1,606,852 alleles (0.00037%); highest among the groups gnomAD compares: Admixed American, 0.01%; no homozygotes.

Submissions (2):

Ambry Genetics
Classification: Uncertain significance for Inborn genetic diseases. Last evaluated: 2025-08-07. Review status: criteria provided, single submitter. Criteria: Ambry Variant Classification Scheme 2023. Collection method: clinical testing. Allele origin: germline.

Labcorp Genetics (formerly Invitae), Labcorp
Classification: Uncertain significance. Last evaluated: 2023-05-15. Review status: criteria provided, single submitter. Criteria: Invitae Variant Classification Sherloc (09022015). Collection method: clinical testing. Allele origin: germline.
Comment: In summary, the available evidence is currently insufficient to determine the role of this variant in disease. Therefore, it has been classified as a Variant of Uncertain Significance. Advanced modeling of protein sequence and biophysical properties (such as structural, functional, and spatial information, amino acid conservation, physicochemical variation, residue mobility, and thermodynamic stability) performed at Invitae indicates that this missense variant is not expected to disrupt LARS2 protein function. ClinVar contains an entry for this variant (Variation ID: 2120642). This variant has not been reported in the literature in individuals affected with LARS2-related conditions. This variant is present in population databases (rs537797830, gnomAD 0.02%). This sequence change replaces glutamic acid, which is acidic and polar, with aspartic acid, which is acidic and polar, at codon 194 of the LARS2 protein (p.Glu194Asp).